The following is an entry in ClinVar:

ClinVar aggregate classification (germline): Uncertain significance. Review status: criteria provided, multiple submitters, no conflicts (2 of 4 stars). 4 submissions from 4 submitters: Uncertain significance (2). 2 of the submissions do not count toward it. Last evaluated 2025-02-15.

Conditions:
Joubert syndrome. Also called: JOUBERT-BOLTSHAUSER SYNDROME; Familial aplasia of the vermis. Identifiers: Orphanet 475, MedGen C5979921, MONDO:0018772.
Meckel-Gruber syndrome. Also called: DYSENCEPHALIA SPLANCHNOCYSTICA; GRUBER SYNDROME; Dysencephalia splachnocystica. Identifiers: Orphanet 564, MedGen C0265215, MONDO:0018921.
MKS1-related disorder. Also called: MKS1-related disorders; MKS1-related condition. Identifiers: MedGen CN239382.
Meckel syndrome, type 1 (MKS1). Also called: MECKEL-GRUBER SYNDROME, TYPE 1. Identifiers: Orphanet 564, MedGen C3714506, MONDO:0009571, OMIM 249000.
Bardet-Biedl syndrome 13 (BBS13). Identifiers: Orphanet 110, MedGen C2673873, MONDO:0014441, OMIM 615990.
Joubert syndrome 28 (JBTS28). Identifiers: MedGen C4310705, MONDO:0014928, OMIM 617121.

Allele frequency attached by ClinVar (database versions not stated): ExAC 0.00002; gnomAD exomes 0.00002.
gnomAD v4.1: 5 of 1,602,862 alleles (0.00031%); highest among the groups gnomAD compares: Admixed American, 0.0083%; no homozygotes.

Submissions (4):

Labcorp Genetics (formerly Invitae), Labcorp
Classification: Uncertain significance for Joubert syndrome; Meckel-Gruber syndrome. Last evaluated: 2025-02-15. Review status: criteria provided, single submitter. Criteria: Invitae Variant Classification Sherloc (09022015). Collection method: clinical testing. Allele origin: germline.
Comment: This sequence change replaces arginine, which is basic and polar, with isoleucine, which is neutral and non-polar, at codon 143 of the MKS1 protein (p.Arg143Ile). This variant is present in population databases (rs758424317, gnomAD 0.01%). This variant has not been reported in the literature in individuals affected with MKS1-related conditions. ClinVar contains an entry for this variant (Variation ID: 1043757). Invitae Evidence Modeling of protein sequence and biophysical properties (such as structural, functional, and spatial information, amino acid conservation, physicochemical variation, residue mobility, and thermodynamic stability) indicates that this missense variant is not expected to disrupt MKS1 protein function with a negative predictive value of 80%. In summary, the available evidence is currently insufficient to determine the role of this variant in disease. Therefore, it has been classified as a Variant of Uncertain Significance.

Fulgent Genetics
Classification: Uncertain significance for Meckel syndrome, type 1; Bardet-Biedl syndrome 13; Joubert syndrome 28. Last evaluated: 2024-04-07. Review status: criteria provided, single submitter. Criteria: ACMG Guidelines, 2015. Collection method: clinical testing. Allele origin: germline.

PreventionGenetics, part of Exact Sciences
Classification: Uncertain significance for MKS1-related condition. Last evaluated: 2023-10-27. Review status: no assertion criteria provided. Collection method: clinical testing. Allele origin: germline. Not counted in ClinVar's aggregate classification.
Comment: The MKS1 c.428G>T variant is predicted to result in the amino acid substitution p.Arg143Ile. To our knowledge, this variant has not been reported in the literature. This variant is reported in 0.012% of alleles in individuals of Latino descent in gnomAD. At this time, the clinical significance of this variant is uncertain due to the absence of conclusive functional and genetic evidence.

Natera, Inc.
Classification: Uncertain significance for Meckel syndrome type 1. Last evaluated: 2020-06-17. Review status: no assertion criteria provided. Collection method: clinical testing. Allele origin: germline. Not counted in ClinVar's aggregate classification.

NM_017777.4(MKS1):c.428G>T (p.Arg143Ile)

Gene: MKS1 (MKS transition zone complex subunit 1; minus strand). Cytogenetic location: 17q22.
Variant type: single nucleotide variant.
Coding change: c.428G>T on transcript NM_017777.4 (MANE Select); coding-DNA position 428, G replaced by T.
Protein change: p.Arg143Ile; replaces arginine 143 with isoleucine.
Molecular consequence: missense variant. On other transcripts: intron variant (1).
Genome position (GRCh38, 1-based): chr17:58,214,828, C>A on the plus strand (G>T on the coding strand, the complement: MKS1 is on the minus strand). VCF-style: chr17-58214828-C-A. GRCh37 (hg19) VCF-style: chr17-56292189-C-A.
Other names: c.428G>T (NM_017777.3); c.428G>T, p.Arg143Ile (NM_001321269.2, NM_001330397.2); c.-94-441G>T (NM_001321268.2); short protein forms R143I.
Identifiers: ClinVar variation 1043757 (VCV001043757.14), dbSNP rs758424317, ClinGen allele CA8669520.